The following is an entry in ClinVar:

NM_005068.3(SIM1):c.1438G>T (p.Gly480Ter)

Genes: SIM1 (SIM bHLH transcription factor 1; minus strand), SIM1-AS1 (SIM1 antisense RNA 1; plus strand). Cytogenetic location: 6q16.3.
Variant type: single nucleotide variant.
Coding change: c.1438G>T on transcript NM_005068.3 (MANE Select); coding-DNA position 1438, G replaced by T.
Protein change: p.Gly480Ter; replaces glycine 480 with a stop codon.
Molecular consequence: nonsense.
Genome position (GRCh38, 1-based): chr6:100,393,619, C>A on the plus strand (G>T on the coding strand, the complement: SIM1 is on the minus strand). VCF-style: chr6-100393619-C-A. GRCh37 (hg19) VCF-style: chr6-100841495-C-A.
Other names: c.1438G>T, p.Gly480Ter (NM_001374769.1); short protein forms G480*.
Identifiers: ClinVar variation 987866 (VCV000987866.1), dbSNP rs772202157, ClinGen allele CA365299092.

ClinVar aggregate classification (germline): Likely pathogenic (1 of 4 stars; one submission).

Conditions:
SIM1-related disorder. Also called: SIM1-related condition; SIM1-related disorders.

Submission:

Women's Health and Genetics/Laboratory Corporation of America, LabCorp
Classification: Likely pathogenic for SIM1-Related Disorders. Last evaluated: 2020-11-04. Review status: criteria provided, single submitter. Criteria: LabCorp Variant Classification Summary - May 2015. Collection method: clinical testing. Allele origin: germline.
Comment: Variant summary: SIM1 c.1438G>T (p.Gly480X) results in a premature termination codon, predicted to cause a truncation of the encoded protein or absence of the protein due to nonsense mediated decay, which are known mechanisms for disease. Loss-of-function variants in the SIM1 gene have been reported in the literature in multiple patients and families with SIM1-related disorders (e.g. PMID: 23778136, 23778139, 24097297, 30991789, 30926952). The variant was absent in 251260 control chromosomes (gnomAD). To our knowledge, no occurrence of c.1438G>T in individuals affected with SIM1-Related Disorders and no experimental evidence demonstrating its impact on protein function have been reported. No clinical diagnostic laboratories have submitted clinical-significance assessments for this variant to ClinVar after 2014. Based on the evidence outlined above, the variant was classified as likely pathogenic.